The following is an entry in ClinVar:

ClinVar aggregate classification (germline): Likely benign (1 of 4 stars; one submission).

gnomAD v4.1: 765 of 718,610 alleles (0.11%); highest among the groups gnomAD compares: Non-Finnish European, 0.15%; 2 homozygotes.

Submission:

CeGaT Center for Human Genetics Tuebingen
Classification: Likely benign. Last evaluated: 2025-03-01. Review status: criteria provided, single submitter. Criteria: CeGaT Center For Human Genetics Tuebingen Variant Classification Criteria Version 2. Collection method: clinical testing. Allele origin: germline. Affected: yes. Observed: 1 variant allele.
Comment: MROH1: BP4, BP7

NM_032450.3(MROH1):c.4842G>A (p.Ala1614=)

Gene: MROH1 (maestro heat like repeat family member 1; plus strand). Cytogenetic location: 8q24.3.
Variant type: single nucleotide variant.
Coding change: c.4842G>A on transcript NM_032450.3 (MANE Select); coding-DNA position 4842, G replaced by A.
Protein change: p.Ala1614=; no amino-acid change (alanine 1614 retained).
Molecular consequence: synonymous variant.
Genome position (GRCh38, 1-based): chr8:144,261,656, G>A. VCF-style: chr8-144261656-G-A. GRCh37 (hg19) VCF-style: chr8-145316559-G-A.
Other names: c.4815G>A, p.Ala1605= (NM_001288814.2).
Identifiers: ClinVar variation 3778007 (VCV003778007.7).